The following is an entry in ClinVar:

ClinVar aggregate classification (germline): Uncertain significance. Review status: criteria provided, multiple submitters, no conflicts (2 of 4 stars). 2 submissions from 2 submitters: Uncertain significance (2). Last evaluated 2025-07-23.

Allele frequency attached by ClinVar (database versions not stated): TOPMed 0.00006; gnomAD 0.00009; ExAC 0.00010; ESP Exome Variant Server 0.00015.

Submissions (2):

Labcorp Genetics (formerly Invitae), Labcorp
Classification: Uncertain significance. Last evaluated: 2025-07-23. Review status: criteria provided, single submitter. Criteria: Invitae Variant Classification Sherloc (09022015). Collection method: clinical testing. Allele origin: germline.
Comment: This sequence change replaces valine, which is neutral and non-polar, with leucine, which is neutral and non-polar, at codon 35 of the NDUFB10 protein (p.Val35Leu). This variant is present in population databases (rs150651720, gnomAD 0.03%). This variant has not been reported in the literature in individuals affected with NDUFB10-related conditions. ClinVar contains an entry for this variant (Variation ID: 2059859). An algorithm developed to predict the effect of missense changes on protein structure and function (PolyPhen-2) suggests that this variant is likely to be disruptive. In summary, the available evidence is currently insufficient to determine the role of this variant in disease. Therefore, it has been classified as a Variant of Uncertain Significance.

Ambry Genetics
Classification: Uncertain significance. Last evaluated: 2025-03-28. Review status: criteria provided, single submitter. Criteria: Ambry Variant Classification Scheme 2023. Collection method: clinical testing. Allele origin: germline.

NM_004548.3(NDUFB10):c.103G>T (p.Val35Leu)

Gene: NDUFB10 (NADH:ubiquinone oxidoreductase subunit B10; plus strand). Cytogenetic location: 16p13.3.
Variant type: single nucleotide variant.
Coding change: c.103G>T on transcript NM_004548.3 (MANE Select); coding-DNA position 103, G replaced by T.
Protein change: p.Val35Leu; replaces valine 35 with leucine.
Molecular consequence: missense variant.
Genome position (GRCh38, 1-based): chr16:1,959,727, G>T. VCF-style: chr16-1959727-G-T. GRCh37 (hg19) VCF-style: chr16-2009728-G-T.
Other names: short protein forms V35L.
Identifiers: ClinVar variation 2059859 (VCV002059859.6), dbSNP rs150651720, ClinGen allele CA7823214.